The following is an entry in ClinVar:

ClinVar aggregate classification (germline): Uncertain significance. Review status: criteria provided, multiple submitters, no conflicts (2 of 4 stars). 2 submissions from 2 submitters: Uncertain significance (2). Last evaluated 2025-05-13.

Conditions:
DICER1-related tumor predisposition. Also called: DICER1 syndrome; DICER1-related pleuropulmonary blastoma cancer predisposition syndrome. Identifiers: Orphanet 284343, MedGen C3839822, MONDO:0100216.
Hereditary cancer-predisposing syndrome. Also called: Neoplastic Syndromes, Hereditary; Hereditary Cancer Syndrome; Hereditary neoplastic syndrome; Tumor predisposition. Identifiers: Orphanet 140162, MedGen C0027672, MeSH D009386, MONDO:0015356.

Allele frequency attached by ClinVar (database versions not stated): gnomAD exomes below 0.00001.
gnomAD v4.1: 3 of 1,614,054 alleles (0.00019%); highest among the groups gnomAD compares: Non-Finnish European, 0.00025%; no homozygotes.

Submissions (2):

Labcorp Genetics (formerly Invitae), Labcorp
Classification: Uncertain significance for DICER1-related tumor predisposition. Last evaluated: 2025-05-13. Review status: criteria provided, single submitter. Criteria: Invitae Variant Classification Sherloc (09022015). Collection method: clinical testing. Allele origin: germline.
Comment: This sequence change replaces arginine, which is basic and polar, with lysine, which is basic and polar, at codon 552 of the DICER1 protein (p.Arg552Lys). This variant is not present in population databases (gnomAD no frequency). This variant has not been reported in the literature in individuals affected with DICER1-related conditions. ClinVar contains an entry for this variant (Variation ID: 641901). Invitae Evidence Modeling of protein sequence and biophysical properties (such as structural, functional, and spatial information, amino acid conservation, physicochemical variation, residue mobility, and thermodynamic stability) indicates that this missense variant is not expected to disrupt DICER1 protein function with a negative predictive value of 95%. In summary, the available evidence is currently insufficient to determine the role of this variant in disease. Therefore, it has been classified as a Variant of Uncertain Significance.

Ambry Genetics
Classification: Uncertain significance for Hereditary cancer-predisposing syndrome. Last evaluated: 2024-11-12. Review status: criteria provided, single submitter. Criteria: Ambry Variant Classification Scheme 2023. Collection method: clinical testing. Allele origin: germline.
Comment: The p.R552K variant (also known as c.1655G>A), located in coding exon 9 of the DICER1 gene, results from a G to A substitution at nucleotide position 1655. The arginine at codon 552 is replaced by lysine, an amino acid with highly similar properties. This amino acid position is highly conserved in available vertebrate species. In addition, this alteration is predicted to be deleterious by in silico analysis. Based on the available evidence, the clinical significance of this variant remains unclear.

NM_177438.3(DICER1):c.1655G>A (p.Arg552Lys)

Gene: DICER1 (dicer 1, ribonuclease III; minus strand). Cytogenetic location: 14q32.13.
Variant type: single nucleotide variant.
Coding change: c.1655G>A on transcript NM_177438.3 (MANE Select); coding-DNA position 1655, G replaced by A.
Protein change: p.Arg552Lys; replaces arginine 552 with lysine.
Molecular consequence: missense variant.
Genome position (GRCh38, 1-based): chr14:95,116,550, C>T on the plus strand (G>A on the coding strand, the complement: DICER1 is on the minus strand). VCF-style: chr14-95116550-C-T. GRCh37 (hg19) VCF-style: chr14-95582887-C-T.
Other names: c.1655G>A, p.Arg552Lys (NM_001195573.1, NM_001271282.3, NM_001291628.2 and 1 more transcripts); short protein forms R552K.
Identifiers: ClinVar variation 641901 (VCV000641901.13), dbSNP rs1595411153, ClinGen allele CA390884866.
Genomic context (GRCh38, chr14:95,116,550, plus strand): 5'-AAACTTTTTATTTTGTCTGTATCCGCTAACATTATATAATTAGAGATGGGTGCCCTTGCT[C>T]TTCCTTTAGATTGAACATAGGATCGATATTCTGTGGGCAAATCAAAACGAACCACCAAGT-3'
Protein context (NP_803187.1, residues 542-562): EYRSYVQSKG[Arg552Lys]ARAPISNYIM